The following is an entry in ClinVar:

NM_004360.5(CDH1):c.2358C>A (p.Asp786Glu)

Gene: CDH1 (cadherin 1; plus strand). Cytogenetic location: 16q22.1.
Variant type: single nucleotide variant.
Coding change: c.2358C>A on transcript NM_004360.5 (MANE Select); coding-DNA position 2358, C replaced by A.
Protein change: p.Asp786Glu; replaces aspartic acid 786 with glutamic acid.
Molecular consequence: missense variant.
Genome position (GRCh38, 1-based): chr16:68,829,716, C>A. VCF-style: chr16-68829716-C-A. GRCh37 (hg19) VCF-style: chr16-68863619-C-A.
Other names: c.2175C>A, p.Asp725Glu (NM_001317184.2); c.810C>A, p.Asp270Glu (NM_001317185.2); c.393C>A, p.Asp131Glu (NM_001317186.2); short protein forms D131E, D270E, D725E, D786E.
Identifiers: ClinVar variation 1718302 (VCV001718302.6), dbSNP rs760701558, ClinGen allele CA396471035.

ClinVar aggregate classification (germline): Uncertain significance (1 of 4 stars; one submission).

Conditions:
Hereditary diffuse gastric adenocarcinoma (HDGC). Also called: DIFFUSE GASTRIC AND LOBULAR BREAST CANCER SYNDROME. Identifiers: Orphanet 26106, MedGen C1708349, MONDO:0007648, OMIM 137215.

Submission:

Labcorp Genetics (formerly Invitae), Labcorp
Classification: Uncertain significance for Hereditary diffuse gastric adenocarcinoma. Last evaluated: 2022-08-29. Review status: criteria provided, single submitter. Criteria: Invitae Variant Classification Sherloc (09022015). Collection method: clinical testing. Allele origin: germline.
Comment: Algorithms developed to predict the effect of missense changes on protein structure and function are either unavailable or do not agree on the potential impact of this missense change (SIFT: "Deleterious"; PolyPhen-2: "Probably Damaging"; Align-GVGD: "Class C0"). In summary, the available evidence is currently insufficient to determine the role of this variant in disease. Therefore, it has been classified as a Variant of Uncertain Significance. This variant has not been reported in the literature in individuals affected with CDH1-related conditions. This sequence change replaces aspartic acid, which is acidic and polar, with glutamic acid, which is acidic and polar, at codon 786 of the CDH1 protein (p.Asp786Glu). This variant is not present in population databases (gnomAD no frequency).